The following is an entry in ClinVar:

ClinVar aggregate classification (germline): Uncertain significance (1 of 4 stars; one submission).

Conditions:
Familial thoracic aortic aneurysm and aortic dissection (TAAD). Also called: Thoracic aortic aneurysms and dissections. Identifiers: Orphanet 91387, MedGen C4707243, MONDO:0019625.

Submission:

Labcorp Genetics (formerly Invitae), Labcorp
Classification: Uncertain significance for Familial thoracic aortic aneurysm and aortic dissection. Last evaluated: 2020-03-05. Review status: criteria provided, single submitter. Criteria: Invitae Variant Classification Sherloc (09022015). Collection method: clinical testing. Allele origin: germline.
Comment: In summary, this variant is a novel missense change with uncertain impact on protein function. It has been classified as a Variant of Uncertain Significance. Algorithms developed to predict the effect of missense changes on protein structure and function (SIFT, PolyPhen-2, Align-GVGD) all suggest that this variant is likely to be disruptive, but these predictions have not been confirmed by published functional studies. This variant is not present in population databases (ExAC no frequency) and has not been reported in the literature in individuals with a TGFBR1-related disease. This variant has been reported to segregate with aortopathy in a single family (Invitae). This sequence change replaces threonine with proline at codon 274 of the TGFBR1 protein (p.Thr274Pro). The threonine residue is highly conserved and there is a small physicochemical difference between threonine and proline.

NM_004612.4(TGFBR1):c.820A>C (p.Thr274Pro)

Gene: TGFBR1 (transforming growth factor beta receptor 1; plus strand). Cytogenetic location: 9q22.33.
Variant type: single nucleotide variant.
Coding change: c.820A>C on transcript NM_004612.4 (MANE Select); coding-DNA position 820, A replaced by C.
Protein change: p.Thr274Pro; replaces threonine 274 with proline.
Molecular consequence: missense variant.
Genome position (GRCh38, 1-based): chr9:99,142,550, A>C. VCF-style: chr9-99142550-A-C. GRCh37 (hg19) VCF-style: chr9-101904832-A-C.
Other names: c.589A>C, p.Thr197Pro (NM_001130916.3); c.832A>C, p.Thr278Pro (NM_001306210.2); short protein forms T274P, T197P, T278P.
Identifiers: ClinVar variation 408571 (VCV000408571.9), dbSNP rs863223816, ClinGen allele CA16612811.
Genomic context (GRCh38, chr9:99,142,550, plus strand): 5'-CATAAATGGTCTGCAGCCCAACCGAAATGTTAATTCTGTTTTACAGACAATGGTACTTGG[A>C]CTCAGCTCTGGTTGGTGTCAGATTATCATGAGCATGGATCCCTTTTTGATTACTTAAACA-3'
Protein context (NP_004603.1, residues 264-284): AADNKDNGTW[Thr274Pro]QLWLVSDYHE